The following is an entry in ClinVar:

ClinVar aggregate classification (germline): Uncertain significance (1 of 4 stars; one submission).

Submission:

Labcorp Genetics (formerly Invitae), Labcorp
Classification: Uncertain significance. Last evaluated: 2023-11-13. Review status: criteria provided, single submitter. Criteria: Invitae Variant Classification Sherloc (09022015). Collection method: clinical testing. Allele origin: germline.
Comment: This sequence change replaces isoleucine, which is neutral and non-polar, with valine, which is neutral and non-polar, at codon 219 of the GRIA2 protein (p.Ile219Val). This variant is not present in population databases (gnomAD no frequency). This variant has not been reported in the literature in individuals affected with GRIA2-related conditions. Advanced modeling of protein sequence and biophysical properties (such as structural, functional, and spatial information, amino acid conservation, physicochemical variation, residue mobility, and thermodynamic stability) performed at Invitae indicates that this missense variant is not expected to disrupt GRIA2 protein function with a negative predictive value of 80%. In summary, the available evidence is currently insufficient to determine the role of this variant in disease. Therefore, it has been classified as a Variant of Uncertain Significance.

NM_001083619.3(GRIA2):c.655A>G (p.Ile219Val)

Gene: GRIA2 (glutamate ionotropic receptor AMPA type subunit 2; plus strand). Cytogenetic location: 4q32.1.
Variant type: single nucleotide variant.
Coding change: c.655A>G on transcript NM_001083619.3 (MANE Select); coding-DNA position 655, A replaced by G.
Protein change: p.Ile219Val; replaces isoleucine 219 with valine.
Molecular consequence: missense variant.
Genome position (GRCh38, 1-based): chr4:157,312,864, A>G. VCF-style: chr4-157312864-A-G. GRCh37 (hg19) VCF-style: chr4-158234016-A-G.
Other names: c.655A>G, p.Ile219Val (NM_000826.6); c.514A>G, p.Ile172Val (NM_001083620.3, NM_001379000.3, NM_001379001.3); short protein forms I219V, I172V.
Identifiers: ClinVar variation 2695391 (VCV002695391.3), dbSNP rs2530657365, ClinGen allele CA358645926.